The following is an entry in ClinVar:

ClinVar aggregate classification (germline): Uncertain significance (1 of 4 stars; one submission).

Allele frequency attached by ClinVar (database versions not stated): gnomAD exomes 0.00001; ExAC 0.00002.
gnomAD v4.1: 11 of 1,614,070 alleles (0.00068%); highest among the groups gnomAD compares: South Asian, 0.0077%; no homozygotes.

Submission:

Labcorp Genetics (formerly Invitae), Labcorp
Classification: Uncertain significance. Last evaluated: 2022-07-27. Review status: criteria provided, single submitter. Criteria: Invitae Variant Classification Sherloc (09022015). Collection method: clinical testing. Allele origin: germline.
Comment: This variant has not been reported in the literature in individuals affected with ARID1B-related conditions. In summary, the available evidence is currently insufficient to determine the role of this variant in disease. Therefore, it has been classified as a Variant of Uncertain Significance. Algorithms developed to predict the effect of missense changes on protein structure and function are either unavailable or do not agree on the potential impact of this missense change (SIFT: "Deleterious"; PolyPhen-2: "Probably Damaging"; Align-GVGD: "Class C0"). This variant is present in population databases (rs745372243, gnomAD 0.003%). This sequence change replaces arginine, which is basic and polar, with cysteine, which is neutral and slightly polar, at codon 1808 of the ARID1B protein (p.Arg1808Cys).

NM_001374828.1(ARID1B):c.5791C>T (p.Arg1931Cys)

Gene: ARID1B (AT-rich interaction domain 1B; plus strand). Cytogenetic location: 6q25.3.
Variant type: single nucleotide variant.
Coding change: c.5791C>T on transcript NM_001374828.1 (MANE Select); coding-DNA position 5791, C replaced by T.
Protein change: p.Arg1931Cys; replaces arginine 1931 with cysteine.
Molecular consequence: missense variant.
Genome position (GRCh38, 1-based): chr6:157,206,563, C>T. VCF-style: chr6-157206563-C-T. GRCh37 (hg19) VCF-style: chr6-157527697-C-T.
Other names: c.5542C>T, p.Arg1848Cys (NM_001346813.1); c.3292C>T, p.Arg1098Cys (NM_001363725.2); c.5671C>T, p.Arg1891Cys (NM_001371656.1, NM_001374820.1); c.5632C>T, p.Arg1878Cys (NM_017519.3); c.5422C>T, p.Arg1808Cys (NM_020732.3); c.5209C>T, p.Arg1737Cys (NM_175863.2); short protein forms R1931C, R1808C, R1848C, R1878C, R1098C, R1737C, R1891C.
Identifiers: ClinVar variation 1955832 (VCV001955832.5), dbSNP rs745372243, ClinGen allele CA4067898.